The following is an entry in ClinVar:

NM_015375.3(DSTYK):c.59G>A (p.Gly20Asp)

Gene: DSTYK (dual serine/threonine and tyrosine protein kinase; minus strand). Cytogenetic location: 1q32.1.
Variant type: single nucleotide variant.
Coding change: c.59G>A on transcript NM_015375.3 (MANE Select); coding-DNA position 59, G replaced by A.
Protein change: p.Gly20Asp; replaces glycine 20 with aspartic acid.
Molecular consequence: missense variant.
Genome position (GRCh38, 1-based): chr1:205,211,477, C>T on the plus strand (G>A on the coding strand, the complement: DSTYK is on the minus strand). VCF-style: chr1-205211477-C-T. GRCh37 (hg19) VCF-style: chr1-205180605-C-T.
Other names: c.59G>A, p.Gly20Asp (NM_199462.3); short protein forms G20D.
Identifiers: ClinVar variation 2109952 (VCV002109952.4), dbSNP rs1416594238, ClinGen allele CA344403846.

ClinVar aggregate classification (germline): Uncertain significance (1 of 4 stars; one submission).

gnomAD v4.1: 2 of 1,585,718 alleles (0.00013%); highest among the groups gnomAD compares: Non-Finnish European, 0.00017%; no homozygotes.

Submission:

Labcorp Genetics (formerly Invitae), Labcorp
Classification: Uncertain significance. Last evaluated: 2022-08-09. Review status: criteria provided, single submitter. Criteria: Invitae Variant Classification Sherloc (09022015). Collection method: clinical testing. Allele origin: germline.
Comment: This variant has not been reported in the literature in individuals affected with DSTYK-related conditions. Algorithms developed to predict the effect of missense changes on protein structure and function (SIFT, PolyPhen-2, Align-GVGD) all suggest that this variant is likely to be tolerated. In summary, the available evidence is currently insufficient to determine the role of this variant in disease. Therefore, it has been classified as a Variant of Uncertain Significance. This sequence change replaces glycine, which is neutral and non-polar, with aspartic acid, which is acidic and polar, at codon 20 of the DSTYK protein (p.Gly20Asp). This variant is present in population databases (no rsID available, gnomAD 0.001%).